The following is an entry in ClinVar:

NM_020923.3(ZDBF2):c.5253G>T (p.Gln1751His)

Gene: ZDBF2 (zinc finger DBF-type containing 2; plus strand). Cytogenetic location: 2q33.3.
Variant type: single nucleotide variant.
Coding change: c.5253G>T on transcript NM_020923.3 (MANE Select); coding-DNA position 5253, G replaced by T.
Protein change: p.Gln1751His; replaces glutamine 1751 with histidine.
Molecular consequence: missense variant.
Genome position (GRCh38, 1-based): chr2:206,309,781, G>T. VCF-style: chr2-206309781-G-T. GRCh37 (hg19) VCF-style: chr2-207174505-G-T.
Other names: c.5253G>T (NM_020923.1); c.5247G>T, p.Gln1749His (NM_001285549.2); c.5253G>T, p.Gln1751His (NM_001369654.1); short protein forms Q1749H, Q1751H.
Identifiers: ClinVar variation 2899576 (VCV002899576.4), dbSNP rs762401651, ClinGen allele CA2072438.

ClinVar aggregate classification (germline): Uncertain significance. Review status: criteria provided, multiple submitters, no conflicts (2 of 4 stars). 2 submissions from 2 submitters: Uncertain significance (2). Last evaluated 2025-08-30.

Allele frequency attached by ClinVar (database versions not stated): gnomAD 0.00001; ExAC 0.00002.
gnomAD v4.1: 75 of 1,613,844 alleles (0.0046%); highest among the groups gnomAD compares: South Asian, 0.0066%; no homozygotes.

Submissions (2):

Ambry Genetics
Classification: Uncertain significance. Last evaluated: 2025-08-30. Review status: criteria provided, single submitter. Criteria: Ambry Variant Classification Scheme 2023. Collection method: clinical testing. Allele origin: germline.

Labcorp Genetics (formerly Invitae), Labcorp
Classification: Uncertain significance. Last evaluated: 2023-02-25. Review status: criteria provided, single submitter. Criteria: Invitae Variant Classification Sherloc (09022015). Collection method: clinical testing. Allele origin: germline.
Comment: In summary, the available evidence is currently insufficient to determine the role of this variant in disease. Therefore, it has been classified as a Variant of Uncertain Significance. Algorithms developed to predict the effect of missense changes on protein structure and function output the following: SIFT: "Not Available"; PolyPhen-2: "Benign"; Align-GVGD: "Not Available". The histidine amino acid residue is found in multiple mammalian species, which suggests that this missense change does not adversely affect protein function. This variant has not been reported in the literature in individuals affected with ZDBF2-related conditions. This variant is present in population databases (rs762401651, gnomAD 0.007%). This sequence change replaces glutamine, which is neutral and polar, with histidine, which is basic and polar, at codon 1751 of the ZDBF2 protein (p.Gln1751His).